The following is an entry in ClinVar:

NM_001005273.3(CHD3):c.3796C>T (p.Arg1266Trp)

Gene: CHD3 (chromodomain helicase DNA binding protein 3; plus strand). Cytogenetic location: 17p13.1.
Variant type: single nucleotide variant.
Coding change: c.3796C>T on transcript NM_001005273.3 (MANE Select); coding-DNA position 3796, C replaced by T.
Protein change: p.Arg1266Trp; replaces arginine 1266 with tryptophan.
Molecular consequence: missense variant.
Genome position (GRCh38, 1-based): chr17:7,903,893, C>T. VCF-style: chr17-7903893-C-T. GRCh37 (hg19) VCF-style: chr17-7807211-C-T.
Other names: c.3973C>T, p.Arg1325Trp (NM_001005271.3); c.3796C>T, p.Arg1266Trp (NM_005852.4); short protein forms R1266W, R1325W.
Identifiers: ClinVar variation 3491958 (VCV003491958.3).

ClinVar aggregate classification (germline): Uncertain significance. Review status: criteria provided, multiple submitters, no conflicts (2 of 4 stars). 3 submissions from 3 submitters: Uncertain significance (3). Last evaluated 2026-01-19.

Conditions:
Inborn genetic diseases. Identifiers: MedGen C0950123, MeSH D030342.
Snijders Blok-Campeau syndrome. Also called: INTELLECTUAL DEVELOPMENTAL DISORDER WITH MACROCEPHALY, SPEECH DELAY, AND DYSMORPHIC FACIES. Identifiers: Orphanet 599082, MedGen C4748701, MONDO:0032600, OMIM 618205.

gnomAD v4.1: 1 of 1,614,102 alleles (0.000062%); highest among the groups gnomAD compares: Non-Finnish European, 0.000085%; no homozygotes.

Submissions (3):

Institute of Immunology and Genetics Kaiserslautern
Classification: Uncertain significance for Snijders Blok-Campeau syndrome. Last evaluated: 2026-01-19. Review status: criteria provided, single submitter. Criteria: ACMG Guidelines, 2015. Collection method: clinical testing. Allele origin: germline. Affected: yes.
Comment: ACMG Criteria: PM2_P, PP3; Variant was found in heterozygous state.

3billion
Classification: Uncertain significance for Snijders Blok-Campeau syndrome. Last evaluated: 2026-01-06. Review status: criteria provided, single submitter. Criteria: ACMG Guidelines, 2015. Collection method: clinical testing. Allele origin: germline. Affected: yes.
Comment: The variant is observed at an extremely low frequency in the gnomAD v4.1.0 dataset (total allele frequency: <0.001%). Predicted Consequence/Location: Missense variant In silico tool predictions suggest damaging effect of the variant on gene or gene product [REVEL: 0.84 (>=0.6, sensitivity 0.68 and specificity 0.92); 3Cnet: 0.77 (> 0.75, sensitivity 0.96 and precision 0.92)]. The variant has been reported as of uncertain significance (ClinVar ID: VCV003491958). Different missense changes at the same codon have been reported as of uncertain significance (ClinVar ID: VCV001709062). Therefore, this variant is classified as VUS according to the recommendation of ACMG/AMP guideline.

Ambry Genetics
Classification: Uncertain significance for Inborn genetic diseases. Last evaluated: 2024-12-03. Review status: criteria provided, single submitter. Criteria: Ambry Variant Classification Scheme 2023. Collection method: clinical testing. Allele origin: germline.
Comment: The c.3973C>T (p.R1325W) alteration is located in exon 24 (coding exon 24) of the CHD3 gene. This alteration results from a C to T substitution at nucleotide position 3973, causing the arginine (R) at amino acid position 1325 to be replaced by a tryptophan (W). This variant was not reported in population-based cohorts in the Genome Aggregation Database (gnomAD). This amino acid position is highly conserved in available vertebrate species. This missense alteration is located in a region that has a low rate of benign missense variation (Lek, 2016; Firth, 2009). This alteration is predicted to be deleterious by in silico analysis. Based on insufficient or conflicting evidence, the clinical significance of this alteration remains unclear.